The following is an entry in ClinVar:

NM_000179.3(MSH6):c.458-20A>C

Gene: MSH6 (mutS homolog 6; plus strand). Cytogenetic location: 2p16.3.
Variant type: single nucleotide variant.
Coding change: c.458-20A>C on transcript NM_000179.3 (MANE Select); 20 bases into the intron before coding-DNA position 458, A replaced by C.
Molecular consequence: intron variant. On other transcripts: 5 prime UTR variant (1).
Genome position (GRCh38, 1-based): chr2:47,795,874, A>C. VCF-style: chr2-47795874-A-C. GRCh37 (hg19) VCF-style: chr2-48023013-A-C.
Other names: c.-88A>C (NM_001406807.1); c.458-20A>C (NM_001406809.1, NM_001406796.1, NM_001406808.1 and 5 more transcripts); c.-279-2737A>C (NM_001406811.1, NM_001281493.2, NM_001406812.1 and 4 more transcripts); c.161-20A>C (NM_001406805.1, NM_001406797.1, NM_001406801.1 and 10 more transcripts); c.554-20A>C (NM_001406795.1, NM_001406802.1); c.464-20A>C (NM_001406813.1); c.-537-20A>C (NM_001406814.1); c.-68-20A>C (NM_001406799.1, NM_001406806.1); and 4 more.
Identifiers: ClinVar variation 3031327 (VCV003031327.4), dbSNP rs2104226897, ClinGen allele CA2740092855.

ClinVar aggregate classification (germline): Likely benign. Review status: criteria provided, multiple submitters, no conflicts (2 of 4 stars). 3 submissions from 3 submitters: Likely benign (2). 1 of the submissions does not count toward it. Last evaluated 2025-12-29.

Conditions:
MSH6-related disorder. Also called: MSH6-related condition; MSH6-Related disorders.
Hereditary nonpolyposis colorectal neoplasms. Identifiers: MedGen C0009405, MeSH D003123.

Submissions (3):

Center for Genomic Medicine, Rigshospitalet, Copenhagen University Hospital
Classification: Likely benign. Last evaluated: 2025-12-29. Review status: criteria provided, single submitter. Criteria: ACMG Guidelines, 2015. Collection method: clinical testing. Allele origin: germline.

Labcorp Genetics (formerly Invitae), Labcorp
Classification: Likely benign for Hereditary nonpolyposis colorectal neoplasms. Last evaluated: 2025-10-08. Review status: criteria provided, single submitter. Criteria: Invitae Variant Classification Sherloc (09022015). Collection method: clinical testing. Allele origin: germline.

PreventionGenetics, part of Exact Sciences
Classification: Likely benign for MSH6-related condition. Last evaluated: 2024-01-05. Review status: no assertion criteria provided. Collection method: clinical testing. Allele origin: germline. Not counted in ClinVar's aggregate classification.
Comment: This variant is classified as likely benign based on ACMG/AMP sequence variant interpretation guidelines (Richards et al. 2015 PMID: 25741868, with internal and published modifications).